The following is an entry in ClinVar:

ClinVar aggregate classification (germline): Conflicting classifications of pathogenicity. Review status: criteria provided, conflicting classifications (1 of 4 stars). 11 submissions from 10 submitters: Uncertain significance (1); Benign (4); Likely benign (4). 2 of the submissions do not count toward it. Last evaluated 2026-09-01.

Conditions:
Autosomal recessive ataxia, Beauce type. Also called: ATAXIA, RECESSIVE, OF BEAUCE; SYNE1-Related Autosomal Recessive Cerebellar Ataxia; Spinocerebellar ataxia, autosomal recessive 8; SYNE1 Deficiency. Identifiers: Orphanet 88644, MedGen C1853116, MONDO:0012549, OMIM 610743.
Emery-Dreifuss muscular dystrophy 4, autosomal dominant (EDMD4). Also called: EMERY-DREIFUSS MUSCULAR DYSTROPHY 4 WITH VARIABLE FEATURES. Identifiers: Orphanet 261, MedGen C2751807, MONDO:0013071, OMIM 612998.

Allele frequency attached by ClinVar (database versions not stated): 1000 Genomes Project 0.00060; 1000 Genomes Project 30x 0.00062; ESP Exome Variant Server 0.00100; gnomAD exomes 0.00121 and 0.00171; gnomAD 0.00133; TOPMed 0.00136; ExAC 0.00140.
gnomAD v4.1: 2,069 of 1,614,148 alleles (0.13%); highest among the groups gnomAD compares: Middle Eastern, 1.6%; 9 homozygotes.

Submissions (12):

CeGaT Center for Human Genetics Tuebingen
Classification: Likely benign. Last evaluated: 2026-09-01. Review status: criteria provided, single submitter. Criteria: CeGaT Center For Human Genetics Tuebingen Variant Classification Criteria Version 2. Collection method: clinical testing. Allele origin: germline. Affected: yes. Observed: 16 variant alleles.
Comment: SYNE1: BP4, BP7

Labcorp Genetics (formerly Invitae), Labcorp
Classification: Likely benign for Emery-Dreifuss muscular dystrophy 4, autosomal dominant; Autosomal recessive ataxia, Beauce type. Last evaluated: 2026-01-21. Review status: criteria provided, single submitter. Criteria: Invitae Variant Classification Sherloc (09022015). Collection method: clinical testing. Allele origin: germline.

Athena Diagnostics
Classification: Benign. Last evaluated: 2025-10-02. Review status: criteria provided, single submitter. Criteria: Athena Diagnostics Criteria. Collection method: clinical testing. Allele origin: unknown.
Comment: The frequency of this variant in the general population is higher than would generally be expected for pathogenic variants in this gene. Computational tools yielded predictions that this variant is unlikely to have an effect on normal RNA splicing. This nucleotide position exhibits low evolutionary conservation.

Blueprint Genetics
Classification: Likely benign. Last evaluated: 2024-11-26. Review status: criteria provided, single submitter. Criteria: ACMG Guidelines, 2015. Collection method: clinical testing. Allele origin: germline.

Mayo Clinic Laboratories, Mayo Clinic
Classification: Benign. Last evaluated: 2023-05-05. Review status: criteria provided, single submitter. Criteria: ACMG Guidelines, 2015. Collection method: clinical testing. Allele origin: germline. Observed: 3 variant alleles.
Comment: BA1, BP4, BP7

GeneDx
Classification: Likely benign. Last evaluated: 2019-10-30. Review status: criteria provided, single submitter. Criteria: GeneDx Variant Classification Process June 2021. Collection method: clinical testing. Allele origin: germline. Affected: yes.

Illumina Laboratory Services, Illumina
Classification: Benign for Emery-Dreifuss muscular dystrophy 4, autosomal dominant. Last evaluated: 2018-01-12. Review status: criteria provided, single submitter. Criteria: ICSL Variant Classification Criteria 13 December 2019. Collection method: clinical testing. Allele origin: germline.
Comment: This variant was observed in the ICSL laboratory as part of a predisposition screen in an ostensibly healthy population. It had not been previously curated by ICSL or reported in the Human Gene Mutation Database (HGMD: prior to June 1st, 2018), and was therefore a candidate for classification through an automated scoring system. Utilizing variant allele frequency, disease prevalence and penetrance estimates, and inheritance mode, an automated score was calculated to assess if this variant is too frequent to cause the disease. Based on the score and internal cut-off values, a variant classified as benign is not then subjected to further curation. The score for this variant resulted in a classification of benign for this disease.

Illumina Laboratory Services, Illumina
Classification: Uncertain significance for Autosomal recessive ataxia, Beauce type. Last evaluated: 2018-01-12. Review status: criteria provided, single submitter. Criteria: ICSL Variant Classification Criteria 13 December 2019. Collection method: clinical testing. Allele origin: germline.

Eurofins Ntd Llc (ga)
Classification: Benign. Last evaluated: 2016-08-23. Review status: criteria provided, single submitter. Criteria: EGL Classification Definitions 2015. Collection method: clinical testing. Allele origin: germline. Observed: 17 variant alleles, 16 heterozygotes, 1 homozygote.

Clinical Genetics DNA and cytogenetics Diagnostics Lab, Erasmus MC, Erasmus Medical Center
Classification: Likely benign. Review status: no assertion criteria provided. Collection method: clinical testing. Allele origin: germline. Affected: yes. Study: VKGL Data-share Consensus. Not counted in ClinVar's aggregate classification.

Dr. Peter K. Rogan Lab, Western University
No classification provided (evidence only). Condition: Sarcoma. Review status: no classification provided. Collection method: in vitro. Allele origin: not applicable. Functional consequence: retained intron. Not counted in ClinVar's aggregate classification.

Genome Diagnostics Laboratory, University Medical Center Utrecht
Classification: Likely benign. Review status: no assertion criteria provided. Collection method: clinical testing. Allele origin: germline. Affected: yes. Study: VKGL Data-share Consensus. Not counted in ClinVar's aggregate classification.

NM_182961.4(SYNE1):c.9489A>G (p.Gln3163=)

Gene: SYNE1 (spectrin repeat containing nuclear envelope protein 1; minus strand). Cytogenetic location: 6q25.2.
Variant type: single nucleotide variant.
Coding change: c.9489A>G on transcript NM_182961.4 (MANE Select); coding-DNA position 9489, A replaced by G.
Protein change: p.Gln3163=; no amino-acid change (glutamine 3163 retained).
Molecular consequence: synonymous variant.
Genome position (GRCh38, 1-based): chr6:152,373,055, T>C on the plus strand (A>G on the coding strand, the complement: SYNE1 is on the minus strand). VCF-style: chr6-152373055-T-C. GRCh37 (hg19) VCF-style: chr6-152694190-T-C.
Other names: p.Gln3170=; c.9510A>G, p.Gln3170= (NM_033071.5).
Identifiers: ClinVar variation 281684 (VCV000281684.67), dbSNP rs35379711, ClinGen allele CA4057316.